The following is an entry in ClinVar:

ClinVar aggregate classification (germline): Benign/Likely benign. Review status: criteria provided, multiple submitters, no conflicts (2 of 4 stars). 2 submissions from 2 submitters: Benign (1); Likely benign (1). Last evaluated 2025-03-20.

Conditions:
Juvenile polyposis syndrome (JPS). Identifiers: Orphanet 2929, MedGen C0345893, MONDO:0017380, OMIM 174900.
Juvenile polyposis/hereditary hemorrhagic telangiectasia syndrome (JPHT). Also called: Juvenile Polyposis Syndrome / Hereditary Hemorrhagic Telangiectasia (JPS/HHT); JP/HHT SYNDROME; JUVENILE POLYPOSIS WITH HEREDITARY HEMORRHAGIC TELANGIECTASIA; POLYPOSIS, GENERALIZED JUVENILE, WITH PULMONARY ARTERIOVENOUS MALFORMATION; TELANGIECTASIA, HEREDITARY HEMORRHAGIC, WITH JUVENILE POLYPOSIS COLI. Identifiers: Orphanet 2929, MedGen C1832942, MONDO:0008278, OMIM 175050.

Submissions (2):

Myriad Genetics, Inc.
Classification: Benign for Juvenile polyposis/hereditary hemorrhagic telangiectasia syndrome. Last evaluated: 2025-03-20. Review status: criteria provided, single submitter. Criteria: Myriad Autosomal Dominant, Autosomal Recessive and X-Linked Classification Criteria (2023). Collection method: clinical testing. Allele origin: unknown.
Comment: This variant is considered benign. This variant is a silent/synonymous amino acid change and it is not expected to impact splicing.

Labcorp Genetics (formerly Invitae), Labcorp
Classification: Likely benign for Juvenile polyposis syndrome. Last evaluated: 2021-11-23. Review status: criteria provided, single submitter. Criteria: Invitae Variant Classification Sherloc (09022015). Collection method: clinical testing. Allele origin: germline.

NM_005359.6(SMAD4):c.849C>T (p.His283=)

Gene: SMAD4 (SMAD family member 4; plus strand). Cytogenetic location: 18q21.2.
Variant type: single nucleotide variant.
Coding change: c.849C>T on transcript NM_005359.6 (MANE Select); coding-DNA position 849, C replaced by T.
Protein change: p.His283=; no amino-acid change (histidine 283 retained).
Molecular consequence: synonymous variant.
Genome position (GRCh38, 1-based): chr18:51,058,401, C>T. VCF-style: chr18-51058401-C-T. GRCh37 (hg19) VCF-style: chr18-48584771-C-T.
Identifiers: ClinVar variation 1618650 (VCV001618650.9), dbSNP rs2144428968, ClinGen allele CA503993992.